The following is an entry in ClinVar:

ClinVar aggregate classification (germline): Uncertain significance (1 of 4 stars; one submission).

Conditions:
Cardiomyopathy (CMYO). Also called: Cardiomyopathies. Identifiers: Orphanet 167848, MedGen C0878544, MONDO:0004994, HP:0001638. Inheritance: Various modes of inheritance.

gnomAD v4.1: 2 of 1,614,202 alleles (0.00012%); highest among the groups gnomAD compares: East Asian, 0.0045%; no homozygotes.

Submission:

Color Diagnostics, LLC DBA Color Health
Classification: Uncertain significance for Cardiomyopathy. Last evaluated: 2025-07-28. Review status: criteria provided, single submitter. Criteria: ACMG Guidelines, 2015. Collection method: clinical testing. Allele origin: germline.
Comment: This missense variant replaces lysine with glutamic acid at codon 1222 of the DSP protein. Computational prediction suggests that this variant may not impact protein structure and function. To our knowledge, functional studies have not been reported for this variant. This variant has not been reported in individuals affected with DSP-related disorders in the literature. This variant has been identified in 2/251100 chromosomes in the general population by the Genome Aggregation Database (gnomAD). The available evidence is insufficient to determine the role of this variant in disease conclusively. Therefore, this variant is classified as a Variant of Uncertain Significance.

NM_004415.4(DSP):c.3664A>G (p.Lys1222Glu)

Gene: DSP (desmoplakin; plus strand). Cytogenetic location: 6p24.3.
Variant type: single nucleotide variant.
Coding change: c.3664A>G on transcript NM_004415.4 (MANE Select); coding-DNA position 3664, A replaced by G.
Protein change: p.Lys1222Glu; replaces lysine 1222 with glutamic acid.
Molecular consequence: missense variant. On other transcripts: intron variant (1).
Genome position (GRCh38, 1-based): chr6:7,579,854, A>G. VCF-style: chr6-7579854-A-G. GRCh37 (hg19) VCF-style: chr6-7580087-A-G.
Other names: c.3664A>G, p.Lys1222Glu (NM_001319034.2); c.3582+82A>G (NM_001008844.3); short protein forms K1222E.
Identifiers: ClinVar variation 4759037 (VCV004759037.1).